The following is an entry in ClinVar:

NM_000245.4(MET):c.1640G>C (p.Arg547Pro)

Gene: MET (MET proto-oncogene, receptor tyrosine kinase; plus strand). Cytogenetic location: 7q31.2.
Variant type: single nucleotide variant.
Coding change: c.1640G>C on transcript NM_000245.4 (MANE Select); coding-DNA position 1640, G replaced by C.
Protein change: p.Arg547Pro; replaces arginine 547 with proline.
Molecular consequence: missense variant.
Genome position (GRCh38, 1-based): chr7:116,740,964, G>C. VCF-style: chr7-116740964-G-C. GRCh37 (hg19) VCF-style: chr7-116381018-G-C.
Other names: c.1640G>C, p.Arg547Pro (NM_001127500.3, NM_001324401.3); c.350G>C, p.Arg117Pro (NM_001324402.2); short protein forms R117P, R547P.
Identifiers: ClinVar variation 943391 (VCV000943391.12), dbSNP rs761951444, ClinGen allele CA368975619.

ClinVar aggregate classification (germline): Conflicting classifications of pathogenicity. Review status: criteria provided, conflicting classifications (1 of 4 stars). 2 submissions from 2 submitters: Uncertain significance (1); Likely benign (1). Last evaluated 2026-06-04.

Conditions:
Hereditary cancer-predisposing syndrome. Also called: Hereditary Cancer Syndrome; Neoplastic Syndromes, Hereditary; Tumor predisposition; Hereditary neoplastic syndrome. Identifiers: Orphanet 140162, MedGen C0027672, MeSH D009386, MONDO:0015356.
Renal cell carcinoma. Identifiers: Orphanet 217071, MedGen C0007134, MeSH D002292, MONDO:0005086, HP:0005584.

gnomAD v4.1: 1 of 1,613,972 alleles (0.000062%); highest among the groups gnomAD compares: Non-Finnish European, 0.000085%; no homozygotes.

Submissions (2):

Ambry Genetics
Classification: Likely benign for Hereditary cancer-predisposing syndrome. Last evaluated: 2026-06-04. Review status: criteria provided, single submitter. Criteria: Ambry Variant Classification Scheme 2023. Collection method: clinical testing. Allele origin: germline.

Labcorp Genetics (formerly Invitae), Labcorp
Classification: Uncertain significance for Renal cell carcinoma. Last evaluated: 2020-05-10. Review status: criteria provided, single submitter. Criteria: Invitae Variant Classification Sherloc (09022015). Collection method: clinical testing. Allele origin: germline.
Comment: In summary, the available evidence is currently insufficient to determine the role of this variant in disease. Therefore, it has been classified as a Variant of Uncertain Significance. Algorithms developed to predict the effect of missense changes on protein structure and function output the following: SIFT: "Deleterious"; PolyPhen-2: "Benign"; Align-GVGD: "Class C0". The proline amino acid residue is found in multiple mammalian species, suggesting that this missense change does not adversely affect protein function. These predictions have not been confirmed by published functional studies and their clinical significance is uncertain. This variant has not been reported in the literature in individuals with MET-related conditions. This variant is not present in population databases (ExAC no frequency). This sequence change replaces arginine with proline at codon 547 of the MET protein (p.Arg547Pro). The arginine residue is moderately conserved and there is a moderate physicochemical difference between arginine and proline.